The following is an entry in ClinVar:

ClinVar aggregate classification (germline): Pathogenic (1 of 4 stars; one submission).

Conditions:
Severe combined immunodeficiency due to DCLRE1C deficiency (RS-SCID). Also called: SCID, AUTOSOMAL RECESSIVE, T CELL-NEGATIVE, B CELL-NEGATIVE, NK CELL-POSITIVE, WITH SENSITIVITY TO IONIZING RADIATION. Identifiers: Orphanet 275, MedGen C1865371, MONDO:0011225, OMIM 602450.

gnomAD v4.1: 1 of 1,614,074 alleles (0.000062%); highest among the groups gnomAD compares: Non-Finnish European, 0.000085%; no homozygotes.

Submission:

Labcorp Genetics (formerly Invitae), Labcorp
Classification: Pathogenic for Athabaskan severe combined immunodeficiency. Last evaluated: 2023-11-10. Review status: criteria provided, single submitter. Criteria: Invitae Variant Classification Sherloc (09022015). Collection method: clinical testing. Allele origin: germline.
Comment: This sequence change creates a premature translational stop signal (p.Glu498*) in the DCLRE1C gene. While this is not anticipated to result in nonsense mediated decay, it is expected to disrupt the last 195 amino acid(s) of the DCLRE1C protein. This variant is not present in population databases (gnomAD no frequency). This variant has not been reported in the literature in individuals affected with DCLRE1C-related conditions. ClinVar contains an entry for this variant (Variation ID: 854193). This variant disrupts a region of the DCLRE1C protein in which other variant(s) (p.Thr557Asnfs*21) have been determined to be pathogenic (PMID: 26476407). This suggests that this is a clinically significant region of the protein, and that variants that disrupt it are likely to be disease-causing. For these reasons, this variant has been classified as Pathogenic.

Literature cited by the submitters: PubMed 26476407.

NM_001033855.3(DCLRE1C):c.1492G>T (p.Glu498Ter)

Gene: DCLRE1C (DNA cross-link repair 1C; minus strand). Cytogenetic location: 10p13.
Variant type: single nucleotide variant.
Coding change: c.1492G>T on transcript NM_001033855.3 (MANE Select); coding-DNA position 1492, G replaced by T.
Protein change: p.Glu498Ter; replaces glutamic acid 498 with a stop codon.
Molecular consequence: nonsense. On other transcripts: non-coding transcript variant (4).
Genome position (GRCh38, 1-based): chr10:14,908,995, C>A on the plus strand (G>T on the coding strand, the complement: DCLRE1C is on the minus strand). VCF-style: chr10-14908995-C-A. GRCh37 (hg19) VCF-style: chr10-14950994-C-A.
Other names: c.1132G>T, p.Glu378Ter (NM_001033857.3, NM_001033858.3, NM_001289077.2 and 2 more transcripts); c.1147G>T, p.Glu383Ter (NM_001289076.2, NM_001289078.2, NM_001350966.2 and 1 more transcripts); c.1492G>T, p.Glu498Ter (NM_001350965.2); short protein forms E378*, E498*, E383*.
Identifiers: ClinVar variation 854193 (VCV000854193.9), dbSNP rs372597855, ClinGen allele CA376075470.